The following is an entry in ClinVar:

ClinVar aggregate classification (germline): Pathogenic (1 of 4 stars; one submission).

Conditions:
Duchenne muscular dystrophy (DMD). Also called: MUSCULAR DYSTROPHY, PSEUDOHYPERTROPHIC PROGRESSIVE, DUCHENNE TYPE; Duchenne Muscular Dystrophy (DMD). Identifiers: Orphanet 98896, MedGen C0013264, MONDO:0010679, OMIM 310200.

Submission:

Labcorp Genetics (formerly Invitae), Labcorp
Classification: Pathogenic for Duchenne muscular dystrophy. Last evaluated: 2022-12-31. Review status: criteria provided, single submitter. Criteria: Invitae Variant Classification Sherloc (09022015). Collection method: clinical testing. Allele origin: unknown.
Comment: For these reasons, this variant has been classified as Pathogenic. The region of the DMD gene that includes exon(s) 40 has been determined to be clinically significant (PMID: 20485447, 28116794). Therefore, deletions that encompass that region are likely to be disease-causing. This variant has not been reported in the literature in individuals affected with DMD-related conditions. This variant is a gross deletion of the genomic region encompassing exon(s) 38-42 of the DMD gene. This variant would be expected to be in-frame, preserving the integrity of the reading frame.

Literature cited by the submitters: PubMed 20485447; PubMed 28116794.

NC_000023.10:g.(?_32328179)_(32366860_?)del

Gene: DMD (dystrophin; minus strand). Cytogenetic location: Xp21.1.
Variant type: Deletion.
Identifiers: ClinVar variation 3248130 (VCV003248130.1).